The following is an entry in ClinVar:

ClinVar aggregate classification (germline): Likely benign. Review status: criteria provided, multiple submitters, no conflicts (2 of 4 stars). 2 submissions from 2 submitters: Likely benign (2). Last evaluated 2026-02-01.

Conditions:
Congenital adrenal hyperplasia due to cytochrome P450 oxidoreductase deficiency. Also called: DISORDERED STEROIDOGENESIS DUE TO POR DEFICIENCY. Identifiers: Orphanet 95699, MedGen C1860042, MONDO:0013310, OMIM 613571.
POR-related disorder. Also called: POR-related condition.

Allele frequency attached by ClinVar (database versions not stated): gnomAD exomes 0.00003; TOPMed 0.00003; gnomAD 0.00004; ExAC 0.00007.
gnomAD v4.1: 24 of 1,609,646 alleles (0.0015%); highest among the groups gnomAD compares: African/African-American, 0.0093%; no homozygotes.

Submissions (2):

Labcorp Genetics (formerly Invitae), Labcorp
Classification: Likely benign for Congenital adrenal hyperplasia due to cytochrome P450 oxidoreductase deficiency. Last evaluated: 2026-02-01. Review status: criteria provided, single submitter. Criteria: Invitae Variant Classification Sherloc (09022015). Collection method: clinical testing. Allele origin: germline.

PreventionGenetics, part of Exact Sciences
Classification: Likely benign for POR-related condition. Last evaluated: 2025-08-31. Review status: criteria provided, single submitter. Criteria: ACMG Guidelines, 2015. Collection method: clinical testing. Allele origin: germline.
Comment: This variant is classified as likely benign based on ACMG/AMP sequence variant interpretation guidelines (Richards et al. 2015 PMID: 25741868, with internal and published modifications).

NM_001395413.1(POR):c.633-8C>T

Gene: POR (cytochrome p450 oxidoreductase; plus strand). Cytogenetic location: 7q11.23.
Variant type: single nucleotide variant.
Coding change: c.633-8C>T on transcript NM_001395413.1 (MANE Select); 8 bases into the intron before coding-DNA position 633, C replaced by T.
Molecular consequence: intron variant.
Genome position (GRCh38, 1-based): chr7:75,981,509, C>T. VCF-style: chr7-75981509-C-T. GRCh37 (hg19) VCF-style: chr7-75610827-C-T.
Other names: c.633-8C>T (NM_001382662.3, NM_001382659.3, NM_001367562.3 and 2 more transcripts); c.687-8C>T (NM_001382655.3); c.642-8C>T (NM_000941.2).
Identifiers: ClinVar variation 1673280 (VCV001673280.9), dbSNP rs782533498, ClinGen allele CA4303765.